The following is an entry in ClinVar:

NM_145290.4(ADGRA3):c.740C>T (p.Thr247Ile)

Gene: ADGRA3 (adhesion G protein-coupled receptor A3; minus strand). Cytogenetic location: 4p15.2.
Variant type: single nucleotide variant.
Coding change: c.740C>T on transcript NM_145290.4 (MANE Select); coding-DNA position 740, C replaced by T.
Protein change: p.Thr247Ile; replaces threonine 247 with isoleucine.
Molecular consequence: missense variant.
Genome position (GRCh38, 1-based): chr4:22,442,830, G>A on the plus strand (C>T on the coding strand, the complement: ADGRA3 is on the minus strand). VCF-style: chr4-22442830-G-A. GRCh37 (hg19) VCF-style: chr4-22444453-G-A.
Other names: short protein forms T247I.
Identifiers: ClinVar variation 3677534 (VCV003677534.2).
Genomic context (GRCh38, chr4:22,442,830, plus strand): 5'-GAAGCCATGCACTGGAAAGGAAGGCTGTCTCCTTCAAACACAACTTGGCGATGAGATGGA[G>A]TCATGTAGAAAGACGGCAATTCAAGCGGAGGGTCTAGAGACAATCAAACAAAGATTCAGT-3'
Protein context (NP_660333.2, residues 237-257): PPLELPSFYM[Thr247Ile]PSHRQVVFEG

ClinVar aggregate classification (germline): Uncertain significance (1 of 4 stars; one submission).

gnomAD v4.1: 3 of 1,613,044 alleles (0.00019%); highest among the groups gnomAD compares: Non-Finnish European, 0.00025%; no homozygotes.

Submission:

Labcorp Genetics (formerly Invitae), Labcorp
Classification: Uncertain significance. Last evaluated: 2026-01-20. Review status: criteria provided, single submitter. Criteria: Invitae Variant Classification Sherloc (09022015). Collection method: clinical testing. Allele origin: germline.
Comment: This sequence change replaces threonine, which is neutral and polar, with isoleucine, which is neutral and non-polar, at codon 247 of the ADGRA3 protein (p.Thr247Ile). This variant is not present in population databases (gnomAD no frequency). This variant has not been reported in the literature in individuals affected with ADGRA3-related conditions. ClinVar contains an entry for this variant (Variation ID: 3677534). An algorithm developed to predict the effect of missense changes on protein structure and function (PolyPhen-2) suggests that this variant is likely to be disruptive. In summary, the available evidence is currently insufficient to determine the role of this variant in disease. Therefore, it has been classified as a Variant of Uncertain Significance.